The following is an entry in ClinVar:

ClinVar aggregate classification (germline): Uncertain significance (1 of 4 stars; one submission).

Submission:

GeneDx
Classification: Uncertain significance. Last evaluated: 2025-08-05. Review status: criteria provided, single submitter. Criteria: GeneDx Variant Classification Process June 2021. Collection method: clinical testing. Allele origin: germline. Affected: yes.
Comment: Not observed at significant frequency in large population cohorts (gnomAD); In silico analysis suggests that this missense variant does not alter protein structure/function; Has not been previously published as pathogenic or benign to our knowledge

NM_153266.4(TMEM151A):c.877G>T (p.Ala293Ser)

Gene: TMEM151A (transmembrane protein 151A; plus strand). Cytogenetic location: 11q13.2.
Variant type: single nucleotide variant.
Coding change: c.877G>T on transcript NM_153266.4 (MANE Select); coding-DNA position 877, G replaced by T.
Protein change: p.Ala293Ser; replaces alanine 293 with serine.
Molecular consequence: missense variant.
Genome position (GRCh38, 1-based): chr11:66,295,123, G>T. VCF-style: chr11-66295123-G-T. GRCh37 (hg19) VCF-style: chr11-66062594-G-T.
Other names: short protein forms A293S.
Identifiers: ClinVar variation 4755857 (VCV004755857.1).
Genomic context (GRCh38, chr11:66,295,123, plus strand): 5'-TTCGCCGACCCCCGCAGCCCGCCCTGGTACGCGCGCGCCTGGGTCTTCTGGCTCGTGTCG[G>T]CGGCCACGCTGTCGTGGCCCCTGCGCGTCGTGGCCGCCTATGGCACGGCTCACGTGCACT-3'
Protein context (NP_694998.1, residues 283-303): ARAWVFWLVS[Ala293Ser]ATLSWPLRVV